The following is an entry in ClinVar:

ClinVar aggregate classification (germline): Likely benign. Review status: criteria provided, multiple submitters, no conflicts (2 of 4 stars). 2 submissions from 2 submitters: Likely benign (2). Last evaluated 2025-08-29.

Conditions:
Epilepsy, familial focal, with variable foci 3 (FFEVF3). Identifiers: MedGen C4310708, MONDO:0014925, OMIM 617118.

Allele frequency attached by ClinVar (database versions not stated): gnomAD 0.00001; TOPMed 0.00002.
gnomAD v4.1: 27 of 1,597,410 alleles (0.0017%); highest among the groups gnomAD compares: South Asian, 0.017%; 2 homozygotes.

Submissions (2):

Labcorp Genetics (formerly Invitae), Labcorp
Classification: Likely benign for Epilepsy, familial focal, with variable foci 3. Last evaluated: 2025-08-29. Review status: criteria provided, single submitter. Criteria: Invitae Variant Classification Sherloc (09022015). Collection method: clinical testing. Allele origin: germline.

CeGaT Center for Human Genetics Tuebingen
Classification: Likely benign. Last evaluated: 2022-08-01. Review status: criteria provided, single submitter. Criteria: CeGaT Center For Human Genetics Tuebingen Variant Classification Criteria Version 2. Collection method: clinical testing. Allele origin: germline. Affected: yes. Observed: 1 variant allele.
Comment: NPRL3: BP4, BP7

NM_001077350.3(NPRL3):c.1647C>T (p.Ser549=)

Gene: NPRL3 (NPR3 like, GATOR1 complex subunit; minus strand). Cytogenetic location: 16p13.3.
Variant type: single nucleotide variant.
Coding change: c.1647C>T on transcript NM_001077350.3 (MANE Select); coding-DNA position 1647, C replaced by T.
Protein change: p.Ser549=; no amino-acid change (serine 549 retained).
Molecular consequence: synonymous variant.
Genome position (GRCh38, 1-based): chr16:86,768, G>A on the plus strand (C>T on the coding strand, the complement: NPRL3 is on the minus strand). VCF-style: chr16-86768-G-A. GRCh37 (hg19) VCF-style: chr16-136767-G-A.
Other names: c.1110C>T, p.Ser370= (NM_001039476.3); c.1413C>T, p.Ser471= (NM_001243247.2); c.1572C>T, p.Ser524= (NM_001243248.2, NM_001243249.2).
Identifiers: ClinVar variation 1586461 (VCV001586461.32), dbSNP rs1191944943, ClinGen allele CA492795140.